The following is an entry in ClinVar:

ClinVar aggregate classification (germline): Uncertain significance (1 of 4 stars; one submission).

Submission:

GeneDx
Classification: Uncertain significance. Last evaluated: 2025-02-06. Review status: criteria provided, single submitter. Criteria: GeneDx Variant Classification Process June 2021. Collection method: clinical testing. Allele origin: germline. Affected: yes.
Comment: Not observed at significant frequency in large population cohorts (gnomAD); In silico analysis supports that this missense variant has a deleterious effect on protein structure/function; Has not been previously published as pathogenic or benign to our knowledge

NM_001961.4(EEF2):c.1126C>G (p.Pro376Ala)

Gene: EEF2 (eukaryotic translation elongation factor 2; minus strand). Cytogenetic location: 19p13.3.
Variant type: single nucleotide variant.
Coding change: c.1126C>G on transcript NM_001961.4 (MANE Select); coding-DNA position 1126, C replaced by G.
Protein change: p.Pro376Ala; replaces proline 376 with alanine.
Molecular consequence: missense variant.
Genome position (GRCh38, 1-based): chr19:3,980,865, G>C on the plus strand (C>G on the coding strand, the complement: EEF2 is on the minus strand). VCF-style: chr19-3980865-G-C. GRCh37 (hg19) VCF-style: chr19-3980863-G-C.
Other names: short protein forms P376A.
Identifiers: ClinVar variation 4074612 (VCV004074612.1).